The following is an entry in ClinVar:

ClinVar aggregate classification (germline): Likely benign (1 of 4 stars; one submission).

Submission:

CeGaT Center for Human Genetics Tuebingen
Classification: Likely benign. Last evaluated: 2023-04-01. Review status: criteria provided, single submitter. Criteria: CeGaT Center For Human Genetics Tuebingen Variant Classification Criteria Version 2. Collection method: clinical testing. Allele origin: germline. Affected: yes. Observed: 1 variant allele.
Comment: OPRM1: BS2

NM_000914.5(OPRM1):c.187_189dup (p.Gly63_Ser64insGly)

Gene: OPRM1 (opioid receptor mu 1; plus strand). Cytogenetic location: 6q25.2.
Variant type: Duplication.
Coding change: c.187_189dup on transcript NM_000914.5 (MANE Select); coding-DNA positions 187 to 189, 3 bases duplicated (GGC; older notation c.187_189dupGGC).
Protein change: p.Gly63_Ser64insGly.
Molecular consequence: inframe insertion. On other transcripts: non-coding transcript variant (4), intron variant (2).
Genome position (GRCh38, 1-based): chr6:154,039,731-154,039,733, GGC duplicated; duplicating any 3 consecutive bases within chr6:154,039,730-154,039,733 gives the same sequence; the c. name uses the placement nearest the transcript's 3' end. VCF-style (leftmost placement, unchanged base first): chr6-154039729-C-CCGG. GRCh37 (hg19) VCF-style: chr6-154360864-C-CCGG.
Other names: c.187_189dup, p.Gly63_Ser64insGly (NM_001145283.2, NM_001145284.3, NM_001145285.3 and 7 more transcripts); c.466_468dup, p.Gly156_Ser157insGly (NM_001285524.1, NM_001145279.4); c.-11+28713_-11+28715dup (NM_001145280.4); c.47+29172_47+29174dup (NM_001145281.3).
Identifiers: ClinVar variation 2657042 (VCV002657042.24), dbSNP rs9282818, ClinGen allele CA4061395.